The following is an entry in ClinVar:

NM_000521.4(HEXB):c.892del (p.Trp298fs)

Gene: HEXB (hexosaminidase subunit beta; plus strand). Cytogenetic location: 5q13.3.
Variant type: Deletion.
Coding change: c.892del on transcript NM_000521.4 (MANE Select); coding-DNA position 892, one base deleted (T; older notation c.892delT).
Protein change: p.Trp298fs; shifts the reading frame from tryptophan 298.
Molecular consequence: frameshift variant.
Genome position (GRCh38, 1-based): chr5:74,713,626, T deleted; the last of 2 consecutive T bases (chr5:74,713,625-74,713,626); deleting either gives the same sequence. VCF-style (leftmost placement, unchanged base first): chr5-74713624-CT-C. GRCh37 (hg19) VCF-style: chr5-74009449-CT-C.
Other names: c.217del, p.Trp73fs (NM_001292004.2); short protein forms W73fs, W298fs.
Identifiers: ClinVar variation 3006255 (VCV003006255.3), dbSNP rs2478752812, ClinGen allele CA2674239724.

ClinVar aggregate classification (germline): Pathogenic (1 of 4 stars; one submission).

Conditions:
Sandhoff disease. Also called: GM2-GANGLIOSIDOSIS, TYPE II; HEXOSAMINIDASES A AND B DEFICIENCY; Beta-hexosaminidase-beta-subunit deficiency; GM2 gangliosidosis, type 2; Total hexosaminidase deficiency; Sandhoff-Jatzkewitz-Pilz disease. Identifiers: Orphanet 796, MedGen C0036161, MONDO:0010006, OMIM 268800.

Submission:

Labcorp Genetics (formerly Invitae), Labcorp
Classification: Pathogenic for Sandhoff disease. Last evaluated: 2023-07-16. Review status: criteria provided, single submitter. Criteria: Invitae Variant Classification Sherloc (09022015). Collection method: clinical testing. Allele origin: germline.
Comment: For these reasons, this variant has been classified as Pathogenic. This variant has not been reported in the literature in individuals affected with HEXB-related conditions. This variant is not present in population databases (gnomAD no frequency). This sequence change creates a premature translational stop signal (p.Trp298Glyfs*9) in the HEXB gene. It is expected to result in an absent or disrupted protein product. Loss-of-function variants in HEXB are known to be pathogenic (PMID: 7550345, 18758829).

Literature cited by the submitters: PubMed 7550345; PubMed 18758829.